The following is an entry in ClinVar:

NM_020320.5(RARS2):c.1427C>T (p.Thr476Ile)

Gene: RARS2 (arginyl-tRNA synthetase 2, mitochondrial; minus strand). Cytogenetic location: 6q15.
Variant type: single nucleotide variant.
Coding change: c.1427C>T on transcript NM_020320.5 (MANE Select); coding-DNA position 1427, C replaced by T.
Protein change: p.Thr476Ile; replaces threonine 476 with isoleucine.
Molecular consequence: missense variant. On other transcripts: non-coding transcript variant (19).
Genome position (GRCh38, 1-based): chr6:87,518,253, G>A on the plus strand (C>T on the coding strand, the complement: RARS2 is on the minus strand). VCF-style: chr6-87518253-G-A. GRCh37 (hg19) VCF-style: chr6-88227971-G-A.
Other names: c.902C>T, p.Thr301Ile (NM_001318785.2, NM_001350506.2, NM_001350507.2 and 4 more transcripts); c.1427C>T, p.Thr476Ile (NM_001350505.2); short protein forms T301I, T476I.
Identifiers: ClinVar variation 3648219 (VCV003648219.2).
Genomic context (GRCh38, chr6:87,518,253, plus strand): 5'-ACAGACTGTGGCTCTTGTAAACAAGCAGTGTTGAAGTCATTCAGGTACCCACATCCAAAA[G>A]TCTCTTCCAAACTTATCAAAAGTTTAAAGTTAAAAACATCAAAAGATTAAAAAGTCATAC-3'
Protein context (NP_064716.2, residues 466-486): THARLHSLEE[Thr476Ile]FGCGYLNDFN

ClinVar aggregate classification (germline): Uncertain significance (1 of 4 stars; one submission).

gnomAD v4.1: 1 of 1,614,086 alleles (0.000062%); highest among the groups gnomAD compares: Non-Finnish European, 0.000085%; no homozygotes.

Submission:

Labcorp Genetics (formerly Invitae), Labcorp
Classification: Uncertain significance. Last evaluated: 2024-10-17. Review status: criteria provided, single submitter. Criteria: Invitae Variant Classification Sherloc (09022015). Collection method: clinical testing. Allele origin: germline.
Comment: This sequence change replaces threonine, which is neutral and polar, with isoleucine, which is neutral and non-polar, at codon 476 of the RARS2 protein (p.Thr476Ile). This variant is not present in population databases (gnomAD no frequency). This variant has not been reported in the literature in individuals affected with RARS2-related conditions. Invitae Evidence Modeling of protein sequence and biophysical properties (such as structural, functional, and spatial information, amino acid conservation, physicochemical variation, residue mobility, and thermodynamic stability) indicates that this missense variant is not expected to disrupt RARS2 protein function with a negative predictive value of 95%. In summary, the available evidence is currently insufficient to determine the role of this variant in disease. Therefore, it has been classified as a Variant of Uncertain Significance.